The following is an entry in ClinVar:

NM_007259.5(VPS45):c.1543G>A (p.Ala515Thr)

Gene: VPS45 (vacuolar protein sorting 45 homolog; plus strand). Cytogenetic location: 1q21.2.
Variant type: single nucleotide variant.
Coding change: c.1543G>A on transcript NM_007259.5 (MANE Select); coding-DNA position 1543, G replaced by A.
Protein change: p.Ala515Thr; replaces alanine 515 with threonine.
Molecular consequence: missense variant. On other transcripts: non-coding transcript variant (1).
Genome position (GRCh38, 1-based): chr1:150,110,545, G>A. VCF-style: chr1-150110545-G-A. GRCh37 (hg19) VCF-style: chr1-150082660-G-A.
Other names: c.1228G>A, p.Ala410Thr (NM_001279353.2); c.1435G>A, p.Ala479Thr (NM_001279354.2); short protein forms A479T, A410T, A515T.
Identifiers: ClinVar variation 1512288 (VCV001512288.5), dbSNP rs2101608934, ClinGen allele CA342263826.
Genomic context (GRCh38, chr1:150,110,545, plus strand): 5'-CATTATTGCAGACCTCAGGATATCATTGTGTTTGTAATTGGAGGAGCCACCTATGAAGAG[G>A]CTCTAACAGTTTATAACCTGAACCGCACCACTCCTGGAGTGAGGATTGTCCTGGGAGGCA-3'
Protein context (NP_009190.2, residues 505-525): FVIGGATYEE[Ala515Thr]LTVYNLNRTT

ClinVar aggregate classification (germline): Uncertain significance (1 of 4 stars; one submission).

Conditions:
Congenital neutropenia-myelofibrosis-nephromegaly syndrome. Also called: Severe congenital neutropenia 5, autosomal recessive. Identifiers: Orphanet 369852, MedGen C3809031, MONDO:0014118, OMIM 615285.

Submission:

Labcorp Genetics (formerly Invitae), Labcorp
Classification: Uncertain significance for Congenital neutropenia-myelofibrosis-nephromegaly syndrome. Last evaluated: 2021-08-31. Review status: criteria provided, single submitter. Criteria: Invitae Variant Classification Sherloc (09022015). Collection method: clinical testing. Allele origin: germline.
Comment: This sequence change replaces alanine with threonine at codon 515 of the VPS45 protein (p.Ala515Thr). The alanine residue is highly conserved and there is a small physicochemical difference between alanine and threonine. This variant is not present in population databases (ExAC no frequency). This variant has not been reported in the literature in individuals affected with VPS45-related conditions. Algorithms developed to predict the effect of missense changes on protein structure and function are either unavailable or do not agree on the potential impact of this missense change (SIFT: "Deleterious"; PolyPhen-2: "Possibly Damaging"; Align-GVGD: "Class C0"). In summary, the available evidence is currently insufficient to determine the role of this variant in disease. Therefore, it has been classified as a Variant of Uncertain Significance.